The following is an entry in ClinVar:

NM_001199138.2(NLRC4):c.2783-48_2783-46dup

Gene: NLRC4 (NLR family CARD domain containing 4; minus strand). Cytogenetic location: 2p22.3.
Variant type: Duplication.
Coding change: c.2783-48_2783-46dup on transcript NM_001199138.2 (MANE Select); 48 bases into the intron before coding-DNA position 2783 through 46 bases into the intron before coding-DNA position 2783, 3 bases duplicated (TTT; older notation c.2783-48_2783-46dupTTT).
Molecular consequence: intron variant.
Genome position (GRCh38, 1-based): chr2:32,224,811-32,224,813, AAA duplicated on the plus strand (TTT on the coding strand, the reverse complement: NLRC4 is on the minus strand); duplicating any 3 consecutive bases within chr2:32,224,811-32,224,819 gives the same sequence; the c. name uses the placement nearest the transcript's 3' end. VCF-style (leftmost placement, unchanged base first): chr2-32224810-T-TAAA. GRCh37 (hg19) VCF-style: chr2-32449879-T-TAAA.
Other names: c.788-48_788-46dup (NM_001302504.1); c.2783-48_2783-46dup (NM_021209.4, NM_001199139.1).
Identifiers: ClinVar variation 1261557 (VCV001261557.4), dbSNP rs199998217, ClinGen allele CA1601691.

ClinVar aggregate classification (germline): Benign. Review status: criteria provided, multiple submitters, no conflicts (2 of 4 stars). 2 submissions from 2 submitters: Benign (2). Last evaluated 2023-11-12.

Submissions (2):

Unidad de Genómica Garrahan, Hospital de Pediatría Garrahan
Classification: Benign. Last evaluated: 2023-11-12. Review status: criteria provided, single submitter. Criteria: ACMG Guidelines, 2015. Collection method: clinical testing. Allele origin: germline. Affected: no. Observed: 61 variant alleles.
Comment: This variant is classified as Benign based on local population frequency. This variant was detected in 64% of patients studied by a panel of primary immunodeficiencies. Number of patients: 61. Only high quality variants are reported.

GeneDx
Classification: Benign. Last evaluated: 2021-06-01. Review status: criteria provided, single submitter. Criteria: GeneDx Variant Classification Process June 2021. Collection method: clinical testing. Allele origin: germline. Affected: yes.